The following is an entry in ClinVar:

NM_001195129.2(PRSS56):c.925T>C (p.Trp309Arg)

Gene: PRSS56 (serine protease 56; plus strand). Cytogenetic location: 2q37.1.
Variant type: single nucleotide variant.
Coding change: c.925T>C on transcript NM_001195129.2 (MANE Select); coding-DNA position 925, T replaced by C.
Protein change: p.Trp309Arg; replaces tryptophan 309 with arginine.
Molecular consequence: missense variant.
Genome position (GRCh38, 1-based): chr2:232,523,491, T>C. VCF-style: chr2-232523491-T-C. GRCh37 (hg19) VCF-style: chr2-233388201-T-C.
Other names: c.925T>C, p.Trp309Arg (NM_001369848.1); short protein forms W309R.
Identifiers: ClinVar variation 4724654 (VCV004724654.1).

ClinVar aggregate classification (germline): Uncertain significance (1 of 4 stars; one submission).

Conditions:
Isolated microphthalmia 6. Also called: MICROPHTHALMIA, POSTERIOR NONSYNDROMIC. Identifiers: Orphanet 2542, MedGen C3150757, MONDO:0013293, OMIM 613517.

Submission:

Labcorp Genetics (formerly Invitae), Labcorp
Classification: Uncertain significance for Isolated microphthalmia 6. Last evaluated: 2025-08-12. Review status: criteria provided, single submitter. Criteria: Invitae Variant Classification Sherloc (09022015). Collection method: clinical testing. Allele origin: germline.
Comment: This sequence change replaces tryptophan, which is neutral and slightly polar, with arginine, which is basic and polar, at codon 309 of the PRSS56 protein (p.Trp309Arg). This variant is not present in population databases (gnomAD no frequency). This variant has not been reported in the literature in individuals affected with PRSS56-related conditions. Experimental studies and prediction algorithms are not available or were not evaluated, and the functional significance of this variant is currently unknown. This variant disrupts the p.Trp309 amino acid residue in PRSS56. Other variant(s) that disrupt this residue have been determined to be pathogenic (PMID: 21397065). This suggests that this residue is clinically significant, and that variants that disrupt this residue are likely to be disease-causing. In summary, the available evidence is currently insufficient to determine the role of this variant in disease. Therefore, it has been classified as a Variant of Uncertain Significance.

Literature cited by the submitters: PubMed 21397065.